The following is an entry in ClinVar:

ClinVar aggregate classification (germline): Uncertain significance (1 of 4 stars; one submission).

Conditions:
Parathyroid carcinoma (PRTC). Also called: CDC73-Related Parathyroid Carcinoma; Parathyroid gland carcinoma. Identifiers: Orphanet 143, MedGen C0687150, MONDO:0012004, OMIM 608266, HP:0006780.

Submission:

Labcorp Genetics (formerly Invitae), Labcorp
Classification: Uncertain significance for Parathyroid carcinoma. Last evaluated: 2024-02-23. Review status: criteria provided, single submitter. Criteria: Invitae Variant Classification Sherloc (09022015). Collection method: clinical testing. Allele origin: germline.
Comment: This sequence change falls in intron 2 of the CDC73 gene. It does not directly change the encoded amino acid sequence of the CDC73 protein. This variant is not present in population databases (gnomAD no frequency). This variant has not been reported in the literature in individuals affected with CDC73-related conditions. Algorithms developed to predict the effect of sequence changes on RNA splicing suggest that this variant may create or strengthen a splice site. In summary, the available evidence is currently insufficient to determine the role of this variant in disease. Therefore, it has been classified as a Variant of Uncertain Significance.

NM_024529.5(CDC73):c.238-15A>G

Gene: CDC73 (cell division cycle 73; plus strand). Cytogenetic location: 1q31.2.
Variant type: single nucleotide variant.
Coding change: c.238-15A>G on transcript NM_024529.5 (MANE Select); 15 bases into the intron before coding-DNA position 238, A replaced by G.
Molecular consequence: intron variant.
Genome position (GRCh38, 1-based): chr1:193,130,159, A>G. VCF-style: chr1-193130159-A-G. GRCh37 (hg19) VCF-style: chr1-193099289-A-G.
Identifiers: ClinVar variation 3642851 (VCV003642851.2).